The following is an entry in ClinVar:

ClinVar aggregate classification (germline): Uncertain significance (1 of 4 stars; one submission).

Conditions:
Charcot-Marie-Tooth disease dominant intermediate B (CMTDIB). Also called: CHARCOT-MARIE-TOOTH NEUROPATHY, DOMINANT INTERMEDIATE B; Charcot-Marie-Tooth disease dominant intermediate 1; CMT DI1; Charcot-Marie-Tooth disease dominant intermediate I. Identifiers: Orphanet 100044, Orphanet 228179, MedGen C1847902, MONDO:0011674, OMIM 606482.

Allele frequency attached by ClinVar (database versions not stated): TOPMed below 0.00001; gnomAD 0.00001; gnomAD exomes 0.00001; ExAC 0.00002.
gnomAD v4.1: 11 of 1,614,008 alleles (0.00068%); highest among the groups gnomAD compares: Middle Eastern, 0.016%; no homozygotes.

Submission:

Labcorp Genetics (formerly Invitae), Labcorp
Classification: Uncertain significance for Charcot-Marie-Tooth disease dominant intermediate B. Last evaluated: 2025-03-12. Review status: criteria provided, single submitter. Criteria: Invitae Variant Classification Sherloc (09022015). Collection method: clinical testing. Allele origin: germline.
Comment: This sequence change replaces arginine, which is basic and polar, with glutamine, which is neutral and polar, at codon 123 of the DNM2 protein (p.Arg123Gln). This variant is present in population databases (rs777834215, gnomAD 0.002%). This variant has not been reported in the literature in individuals affected with DNM2-related conditions. ClinVar contains an entry for this variant (Variation ID: 2911884). Invitae Evidence Modeling of protein sequence and biophysical properties (such as structural, functional, and spatial information, amino acid conservation, physicochemical variation, residue mobility, and thermodynamic stability) has been performed for this missense variant. However, the output from this modeling did not meet the statistical confidence thresholds required to predict the impact of this variant on DNM2 protein function. In summary, the available evidence is currently insufficient to determine the role of this variant in disease. Therefore, it has been classified as a Variant of Uncertain Significance.

NM_001005361.3(DNM2):c.368G>A (p.Arg123Gln)

Gene: DNM2 (dynamin 2; plus strand). Cytogenetic location: 19p13.2.
Variant type: single nucleotide variant.
Coding change: c.368G>A on transcript NM_001005361.3 (MANE Select); coding-DNA position 368, G replaced by A.
Protein change: p.Arg123Gln; replaces arginine 123 with glutamine.
Molecular consequence: missense variant.
Genome position (GRCh38, 1-based): chr19:10,772,611, G>A. VCF-style: chr19-10772611-G-A. GRCh37 (hg19) VCF-style: chr19-10883287-G-A.
Other names: c.368G>A, p.Arg123Gln (NM_001005360.3, NM_001005362.3, NM_001190716.2 and 1 more transcripts); short protein forms R123Q.
Identifiers: ClinVar variation 2911884 (VCV002911884.3), dbSNP rs777834215, ClinGen allele CA9200768.